The following is an entry in ClinVar:

ClinVar aggregate classification (germline): Benign (1 of 4 stars; one submission).

Conditions:
Familial cancer of breast. Also called: hereditary breast carcinoma; BREAST CANCER, FAMILIAL; Hereditary breast cancer. Identifiers: Orphanet 227535, MedGen C0346153, MONDO:0016419, OMIM 114480. Disease mechanism: loss of function.

Submission:

Myriad Genetics, Inc.
Classification: Benign for Familial cancer of breast. Last evaluated: 2024-06-20. Review status: criteria provided, single submitter. Criteria: Myriad Autosomal Dominant, Autosomal Recessive and X-Linked Classification Criteria (2023). Collection method: clinical testing. Allele origin: unknown.
Comment: This variant is considered benign. This variant is a silent/synonymous amino acid change and it is not expected to impact splicing.

NM_000051.4(ATM):c.8601A>T (p.Gly2867=)

Genes: ATM (ATM serine/threonine kinase; plus strand), C11orf65 (chromosome 11 open reading frame 65; minus strand). Cytogenetic location: 11q22.3.
Variant type: single nucleotide variant.
Coding change: c.8601A>T on transcript NM_000051.4 (MANE Select); coding-DNA position 8601, A replaced by T.
Protein change: p.Gly2867=; no amino-acid change (glycine 2867 retained).
Molecular consequence: synonymous variant. On other transcripts: intron variant (2).
Genome position (GRCh38, 1-based): chr11:108,347,295, A>T. VCF-style: chr11-108347295-A-T. GRCh37 (hg19) VCF-style: chr11-108218022-A-T.
Other names: c.8601A>T, p.Gly2867= (NM_001351834.2); c.641-38224T>A (NM_001330368.2); c.695-12003T>A (NM_001351110.2).
Identifiers: ClinVar variation 3254317 (VCV003254317.1), dbSNP rs1565567027.